The following is an entry in ClinVar:

NM_020822.3(KCNT1):c.2888C>T (p.Pro963Leu)

Gene: KCNT1 (potassium sodium-activated channel subfamily T member 1; plus strand). Cytogenetic location: 9q34.3.
Variant type: single nucleotide variant.
Coding change: c.2888C>T on transcript NM_020822.3 (MANE Select); coding-DNA position 2888, C replaced by T.
Protein change: p.Pro963Leu; replaces proline 963 with leucine.
Molecular consequence: missense variant.
Genome position (GRCh38, 1-based): chr9:135,784,070, C>T. VCF-style: chr9-135784070-C-T. GRCh37 (hg19) VCF-style: chr9-138675916-C-T.
Other names: c.2753C>T, p.Pro918Leu (NM_001272003.2); short protein forms P918L, P963L.
Identifiers: ClinVar variation 642999 (VCV000642999.10), dbSNP rs997774104, ClinGen allele CA201483509.
Genomic context (GRCh38, chr9:135,784,070, plus strand): 5'-CTCCTTTCCCACAGAGGGAGCGAGAGAATGGCTCCAACCTGGCCTTCATGTTCCGCCTGC[C>T]GTTCGCCGCCGGCCGCGTCTTCAGCATCAGCATGTTGGACACACTGCTCTACCAGGTCAG-3'
Protein context (NP_065873.2, residues 953-973): GSNLAFMFRL[Pro963Leu]FAAGRVFSIS

ClinVar aggregate classification (germline): Uncertain significance. Review status: criteria provided, multiple submitters, no conflicts (2 of 4 stars). 2 submissions from 2 submitters: Uncertain significance (2). Last evaluated 2025-10-20.

Conditions:
Developmental and epileptic encephalopathy, 14 (DEE14). Also called: Early infantile epileptic encephalopathy 14. Identifiers: Orphanet 293181, MedGen C3554195, MONDO:0013989, OMIM 614959.
Autosomal dominant nocturnal frontal lobe epilepsy 5. Also called: Epilepsy, nocturnal frontal lobe, 5; KCNT1-Related Epilepsy; CILIARY DYSKINESIA, PRIMARY, 28, WITHOUT SITUS INVERSUS; CILIARY DYSKINESIA, PRIMARY, 28, WITH SITUS INVERSUS. Identifiers: Orphanet 98784, MedGen C3554306, MONDO:0014002, OMIM 615005.

gnomAD v4.1: 1 of 1,606,300 alleles (0.000062%); highest among the groups gnomAD compares: Non-Finnish European, 0.000085%; no homozygotes.

Submissions (2):

Labcorp Genetics (formerly Invitae), Labcorp
Classification: Uncertain significance for Autosomal dominant nocturnal frontal lobe epilepsy 5; Developmental and epileptic encephalopathy, 14. Last evaluated: 2025-10-20. Review status: criteria provided, single submitter. Criteria: Invitae Variant Classification Sherloc (09022015). Collection method: clinical testing. Allele origin: germline.
Comment: This sequence change replaces proline, which is neutral and non-polar, with leucine, which is neutral and non-polar, at codon 963 of the KCNT1 protein (p.Pro963Leu). The frequency data for this variant in the population databases is considered unreliable, as metrics indicate poor data quality at this position in the gnomAD database. This variant has not been reported in the literature in individuals affected with KCNT1-related conditions. ClinVar contains an entry for this variant (Variation ID: 642999). Invitae Evidence Modeling of protein sequence and biophysical properties (such as structural, functional, and spatial information, amino acid conservation, physicochemical variation, residue mobility, and thermodynamic stability) has been performed for this missense variant. However, the output from this modeling did not meet the statistical confidence thresholds required to predict the impact of this variant on KCNT1 protein function. In summary, the available evidence is currently insufficient to determine the role of this variant in disease. Therefore, it has been classified as a Variant of Uncertain Significance.

GeneDx
Classification: Uncertain significance. Last evaluated: 2025-07-10. Review status: criteria provided, single submitter. Criteria: GeneDx Variant Classification Process June 2021. Collection method: clinical testing. Allele origin: germline. Affected: yes.
Comment: In silico analysis supports that this missense variant has a deleterious effect on protein structure/function; Has not been previously published as pathogenic or benign to our knowledge